The following is an entry in ClinVar:

ClinVar aggregate classification (germline): Conflicting classifications of pathogenicity. Review status: criteria provided, conflicting classifications (1 of 4 stars). 3 submissions from 3 submitters: Uncertain significance (1); Likely benign (2). Last evaluated 2024-11-24.

Conditions:
Tuberous sclerosis 2 (TSC2). Identifiers: Orphanet 805, MedGen C1860707, MONDO:0013199, OMIM 613254.

Allele frequency attached by ClinVar (database versions not stated): TOPMed below 0.00001; gnomAD 0.00001.
gnomAD v4.1: 1 of 1,576,790 alleles (0.000063%); highest among the groups gnomAD compares: African/African-American, 0.0013%; no homozygotes.

Submissions (3):

Labcorp Genetics (formerly Invitae), Labcorp
Classification: Uncertain significance for Tuberous sclerosis 2. Last evaluated: 2024-11-24. Review status: criteria provided, single submitter. Criteria: Invitae Variant Classification Sherloc (09022015). Collection method: clinical testing. Allele origin: germline.
Comment: This sequence change falls in intron 9 of the TSC2 gene. It does not directly change the encoded amino acid sequence of the TSC2 protein. This variant is not present in population databases (gnomAD no frequency). This variant has not been reported in the literature in individuals affected with TSC2-related conditions. ClinVar contains an entry for this variant (Variation ID: 256638). Algorithms developed to predict the effect of sequence changes on RNA splicing suggest that this variant may disrupt the consensus splice site. In summary, the available evidence is currently insufficient to determine the role of this variant in disease. Therefore, it has been classified as a Variant of Uncertain Significance.

Genome-Nilou Lab
Classification: Likely benign for Tuberous sclerosis 2. Last evaluated: 2021-11-07. Review status: criteria provided, single submitter. Criteria: ACMG Guidelines, 2015. Collection method: clinical testing. Allele origin: germline. Affected: no.

PreventionGenetics, part of Exact Sciences
Classification: Likely benign. Review status: criteria provided, single submitter. Criteria: ACMG Guidelines, 2015. Collection method: clinical testing. Allele origin: germline.

NM_000548.5(TSC2):c.849-6T>G

Gene: TSC2 (TSC complex subunit 2; plus strand). Cytogenetic location: 16p13.3.
Variant type: single nucleotide variant.
Coding change: c.849-6T>G on transcript NM_000548.5 (MANE Select); 6 bases into the intron before coding-DNA position 849, T replaced by G.
Molecular consequence: intron variant.
Genome position (GRCh38, 1-based): chr16:2,058,741, T>G. VCF-style: chr16-2058741-T-G. GRCh37 (hg19) VCF-style: chr16-2108742-T-G.
Other names: c.849-6T>G (NM_001114382.3, NM_021055.3, NM_001370405.1 and 3 more transcripts); c.738-6T>G (NM_001318827.2); c.249-6T>G (NM_001318831.2); c.702-6T>G (NM_001318829.2); c.882-6T>G (NM_001318832.2).
Identifiers: ClinVar variation 256638 (VCV000256638.14), dbSNP rs886038358, ClinGen allele CA10587222.